The following is an entry in ClinVar:

ClinVar aggregate classification (germline): Likely benign. Review status: criteria provided, single submitter (1 of 4 stars). 2 submissions from 2 submitters: Likely benign (1). 1 of the submissions does not count toward it. Last evaluated 2024-11-11.

Conditions:
BLK-related disorder. Also called: BLK-related condition.

Allele frequency attached by ClinVar (database versions not stated): gnomAD exomes 0.00003; ExAC 0.00011; 1000 Genomes Project 30x 0.00016; 1000 Genomes Project 0.00020; gnomAD 0.00040; TOPMed 0.00048; ESP Exome Variant Server 0.00054.
gnomAD v4.1: 116 of 1,608,430 alleles (0.0072%); highest among the groups gnomAD compares: African/African-American, 0.13%; no homozygotes.

Submissions (2):

Labcorp Genetics (formerly Invitae), Labcorp
Classification: Likely benign. Last evaluated: 2024-11-11. Review status: criteria provided, single submitter. Criteria: Invitae Variant Classification Sherloc (09022015). Collection method: clinical testing. Allele origin: germline.

PreventionGenetics, part of Exact Sciences
Classification: Likely benign for BLK-related condition. Last evaluated: 2019-11-19. Review status: no assertion criteria provided. Collection method: clinical testing. Allele origin: germline. Not counted in ClinVar's aggregate classification.
Comment: This variant is classified as likely benign based on ACMG/AMP sequence variant interpretation guidelines (Richards et al. 2015 PMID: 25741868, with internal and published modifications).

NM_001715.3(BLK):c.351G>A (p.Glu117=)

Gene: BLK (BLK proto-oncogene, Src family tyrosine kinase). Cytogenetic location: 8p23.1.
Variant type: single nucleotide variant.
Coding change: c.351G>A on transcript NM_001715.3 (MANE Select); coding-DNA position 351, G replaced by A.
Protein change: p.Glu117=; no amino-acid change (glutamic acid 117 retained).
Molecular consequence: synonymous variant.
Genome position (GRCh38, 1-based): chr8:11,549,105, G>A. VCF-style: chr8-11549105-G-A. GRCh37 (hg19) VCF-style: chr8-11406614-G-A.
Other names: c.138G>A, p.Glu46= (NM_001330465.2); c.351G>A (NM_001715.2).
Identifiers: ClinVar variation 2152056 (VCV002152056.6), dbSNP rs111866701, ClinGen allele CA4629837.